The following is an entry in ClinVar:

ClinVar aggregate classification (germline): Uncertain significance (1 of 4 stars; one submission).

Conditions:
T-cell immunodeficiency with epidermodysplasia verruciformis. Identifiers: Orphanet 324294, MedGen C4749500, MONDO:0017925.

Allele frequency attached by ClinVar (database versions not stated): gnomAD 0.00001; gnomAD exomes 0.00001 and 0.00004; TOPMed 0.00002; ExAC 0.00004; ESP Exome Variant Server 0.00008.
gnomAD v4.1: 18 of 1,614,106 alleles (0.0011%); highest among the groups gnomAD compares: East Asian, 0.0089%; no homozygotes.

Submission:

Labcorp Genetics (formerly Invitae), Labcorp
Classification: Uncertain significance for T-cell immunodeficiency with epidermodysplasia verruciformis. Last evaluated: 2022-10-17. Review status: criteria provided, single submitter. Criteria: Invitae Variant Classification Sherloc (09022015). Collection method: clinical testing. Allele origin: germline.
Comment: This sequence change replaces histidine, which is basic and polar, with arginine, which is basic and polar, at codon 88 of the RHOH protein (p.His88Arg). This variant is present in population databases (rs115314968, gnomAD 0.02%). This variant has not been reported in the literature in individuals affected with RHOH-related conditions. ClinVar contains an entry for this variant (Variation ID: 1445989). Algorithms developed to predict the effect of missense changes on protein structure and function (SIFT, PolyPhen-2, Align-GVGD) all suggest that this variant is likely to be tolerated. In summary, the available evidence is currently insufficient to determine the role of this variant in disease. Therefore, it has been classified as a Variant of Uncertain Significance.

NM_004310.5(RHOH):c.263A>G (p.His88Arg)

Gene: RHOH (ras homolog family member H; plus strand). Cytogenetic location: 4p14.
Variant type: single nucleotide variant.
Coding change: c.263A>G on transcript NM_004310.5 (MANE Select); coding-DNA position 263, A replaced by G.
Protein change: p.His88Arg; replaces histidine 88 with arginine.
Molecular consequence: missense variant.
Genome position (GRCh38, 1-based): chr4:40,243,649, A>G. VCF-style: chr4-40243649-A-G. GRCh37 (hg19) VCF-style: chr4-40245269-A-G.
Other names: c.263A>G, p.His88Arg (NM_001278359.2, NM_001278360.2, NM_001278361.2 and 8 more transcripts); short protein forms H88R.
Identifiers: ClinVar variation 1445989 (VCV001445989.5), dbSNP rs115314968, ClinGen allele CA2897749.